The following is an entry in ClinVar:

ClinVar aggregate classification (germline): Conflicting classifications of pathogenicity. Review status: criteria provided, conflicting classifications (1 of 4 stars). 2 submissions from 2 submitters: Uncertain significance (1); Likely benign (1). Last evaluated 2025-03-07.

Conditions:
Inborn genetic diseases. Identifiers: MedGen C0950123, MeSH D030342.

Allele frequency attached by ClinVar (database versions not stated): gnomAD exomes 0.00001; ExAC 0.00002; TOPMed 0.00011; gnomAD 0.00012.
gnomAD v4.1: 32 of 1,577,176 alleles (0.002%); highest among the groups gnomAD compares: African/African-American, 0.03%; no homozygotes.

Submissions (2):

Ambry Genetics
Classification: Likely benign for Inborn genetic diseases. Last evaluated: 2025-03-07. Review status: criteria provided, single submitter. Criteria: Ambry Variant Classification Scheme 2023. Collection method: clinical testing. Allele origin: germline.

GeneDx
Classification: Uncertain significance. Last evaluated: 2022-12-16. Review status: criteria provided, single submitter. Criteria: GeneDx Variant Classification Process June 2021. Collection method: clinical testing. Allele origin: germline. Affected: yes.
Comment: In silico analysis supports that this missense variant has a deleterious effect on protein structure/function; Has not been previously published as pathogenic or benign to our knowledge

NM_018896.5(CACNA1G):c.6284T>C (p.Leu2095Pro)

Gene: CACNA1G (calcium voltage-gated channel subunit alpha1 G; plus strand). Cytogenetic location: 17q21.33.
Variant type: single nucleotide variant.
Coding change: c.6284T>C on transcript NM_018896.5 (MANE Select); coding-DNA position 6284, T replaced by C.
Protein change: p.Leu2095Pro; replaces leucine 2095 with proline.
Molecular consequence: missense variant. On other transcripts: non-coding transcript variant (5).
Genome position (GRCh38, 1-based): chr17:50,624,414, T>C. VCF-style: chr17-50624414-T-C. GRCh37 (hg19) VCF-style: chr17-48701775-T-C.
Other names: c.6095T>C, p.Leu2032Pro (NM_001256324.2); c.6026T>C, p.Leu2009Pro (NM_001256325.2); c.6014T>C, p.Leu2005Pro (NM_001256326.2); c.5984T>C, p.Leu1995Pro (NM_001256327.2); c.5930T>C, p.Leu1977Pro (NM_001256328.2); c.5903T>C, p.Leu1968Pro (NM_001256329.2, NM_198376.3, NM_198387.3); c.5870T>C, p.Leu1957Pro (NM_001256330.2); c.5849T>C, p.Leu1950Pro (NM_001256331.2); and 16 more; short protein forms L1945P, L1950P, L1957P, L1961P, L1964P, L1966P, L1968P, L1975P.
Identifiers: ClinVar variation 2505653 (VCV002505653.2), dbSNP rs779353394, ClinGen allele CA8653628.